The following is an entry in ClinVar:

NM_000069.3(CACNA1S):c.2407A>G (p.Asn803Asp)

Gene: CACNA1S (calcium voltage-gated channel subunit alpha1 S; minus strand). Cytogenetic location: 1q32.1.
Variant type: single nucleotide variant.
Coding change: c.2407A>G on transcript NM_000069.3 (MANE Select); coding-DNA position 2407, A replaced by G.
Protein change: p.Asn803Asp; replaces asparagine 803 with aspartic acid.
Molecular consequence: missense variant.
Genome position (GRCh38, 1-based): chr1:201,069,555, T>C on the plus strand (A>G on the coding strand, the complement: CACNA1S is on the minus strand). VCF-style: chr1-201069555-T-C. GRCh37 (hg19) VCF-style: chr1-201038683-T-C.
Other names: short protein forms N803D.
Identifiers: ClinVar variation 450854 (VCV000450854.11), dbSNP rs561979536, ClinGen allele CA35973564.

ClinVar aggregate classification (germline): Conflicting classifications of pathogenicity. Review status: criteria provided, conflicting classifications (1 of 4 stars). 2 submissions from 2 submitters: Uncertain significance (1); Likely benign (1). Last evaluated 2022-07-12.

Conditions:
Malignant hyperthermia, susceptibility to, 5 (MHS5). Also called: CACNA1S-Related Malignant Hyperthermia Susceptibility. Identifiers: Orphanet 423, MedGen C1866077, MONDO:0011163, OMIM 601887.
Hypokalemic periodic paralysis, type 1. Also called: HypoPP; Hypokalemic Periodic Paralysis Type 1 (AD). Identifiers: Orphanet 681, MedGen C3714580, MONDO:0042979, OMIM 170400.

Allele frequency attached by ClinVar (database versions not stated): gnomAD exomes below 0.00001 and 0.00002; gnomAD 0.00001; 1000 Genomes Project 30x 0.00016; 1000 Genomes Project 0.00020.
gnomAD v4.1: 5 of 1,575,142 alleles (0.00032%); highest among the groups gnomAD compares: East Asian, 0.011%; no homozygotes.

Submissions (2):

Labcorp Genetics (formerly Invitae), Labcorp
Classification: Likely benign for Hypokalemic periodic paralysis, type 1; Malignant hyperthermia, susceptibility to, 5. Last evaluated: 2022-07-12. Review status: criteria provided, single submitter. Criteria: Invitae Variant Classification Sherloc (09022015). Collection method: clinical testing. Allele origin: germline.

GeneDx
Classification: Uncertain significance. Last evaluated: 2017-07-28. Review status: criteria provided, single submitter. Criteria: GeneDx Variant Classification (06012015). Collection method: clinical testing. Allele origin: germline. Affected: yes.
Comment: A variant of uncertain significance has been identified in the CACNA1S gene. The N803D variant has not been published as a pathogenic variant, nor has it been reported as a benign variant to our knowledge. The N803D variant is not observed in large population cohorts (Lek et al., 2016; 1000 Genomes Consortium et al., 2015; Exome Variant Server). The N803D variant is a semi-conservative amino acid substitution, which may impact secondary protein structure as these residues differ in some properties. This substitution occurs at a position that is conserved across species and in silico analysis predicts this variant is probably damaging to the protein structure/function. However, missense variants in nearby residues have not been reported in Human Gene Mutation Database in association with CACNA1S-related disorders (Stenson et al., 2014). Therefore, based on the currently available information, it is unclear whether this variant is a pathogenic variant or a rare benign variant.